The following is an entry in ClinVar:

ClinVar aggregate classification (germline): Likely benign (1 of 4 stars; one submission).

Allele frequency attached by ClinVar (database versions not stated): gnomAD 0.00001; gnomAD exomes 0.00001; ExAC 0.00002; TOPMed 0.00002.
gnomAD v4.1: 24 of 1,613,980 alleles (0.0015%); highest among the groups gnomAD compares: South Asian, 0.02%; no homozygotes.

Submission:

CeGaT Center for Human Genetics Tuebingen
Classification: Likely benign. Last evaluated: 2022-10-01. Review status: criteria provided, single submitter. Criteria: CeGaT Center For Human Genetics Tuebingen Variant Classification Criteria Version 2. Collection method: clinical testing. Allele origin: germline. Affected: yes. Observed: 1 variant allele.
Comment: CLRN2: BP4

NM_001079827.2(CLRN2):c.590C>T (p.Ser197Leu)

Gene: CLRN2 (clarin 2; plus strand). Cytogenetic location: 4p15.32.
Variant type: single nucleotide variant.
Coding change: c.590C>T on transcript NM_001079827.2 (MANE Select); coding-DNA position 590, C replaced by T.
Protein change: p.Ser197Leu; replaces serine 197 with leucine.
Molecular consequence: missense variant.
Genome position (GRCh38, 1-based): chr4:17,526,973, C>T. VCF-style: chr4-17526973-C-T. GRCh37 (hg19) VCF-style: chr4-17528596-C-T.
Other names: short protein forms S197L.
Identifiers: ClinVar variation 2654687 (VCV002654687.24), dbSNP rs762164219, ClinGen allele CA2868487.